The following is an entry in ClinVar:

ClinVar aggregate classification (germline): Uncertain significance. Review status: criteria provided, multiple submitters, no conflicts (2 of 4 stars). 2 submissions from 2 submitters: Uncertain significance (2). Last evaluated 2025-06-24.

Conditions:
Inborn genetic diseases. Identifiers: MedGen C0950123, MeSH D030342.

gnomAD v4.1: 54 of 1,612,526 alleles (0.0033%); highest among the groups gnomAD compares: East Asian, 0.011%; no homozygotes.

Submissions (2):

Labcorp Genetics (formerly Invitae), Labcorp
Classification: Uncertain significance. Last evaluated: 2025-06-24. Review status: criteria provided, single submitter. Criteria: Invitae Variant Classification Sherloc (09022015). Collection method: clinical testing. Allele origin: germline.
Comment: This sequence change replaces proline, which is neutral and non-polar, with leucine, which is neutral and non-polar, at codon 31 of the TRPV3 protein (p.Pro31Leu). This variant is present in population databases (rs146728389, gnomAD 0.02%). This variant has not been reported in the literature in individuals affected with TRPV3-related conditions. ClinVar contains an entry for this variant (Variation ID: 3329339). Invitae Evidence Modeling of protein sequence and biophysical properties (such as structural, functional, and spatial information, amino acid conservation, physicochemical variation, residue mobility, and thermodynamic stability) indicates that this missense variant is not expected to disrupt TRPV3 protein function with a negative predictive value of 95%. In summary, the available evidence is currently insufficient to determine the role of this variant in disease. Therefore, it has been classified as a Variant of Uncertain Significance.

Ambry Genetics
Classification: Uncertain significance for Inborn genetic diseases. Last evaluated: 2024-04-08. Review status: criteria provided, single submitter. Criteria: Ambry Variant Classification Scheme 2023. Collection method: clinical testing. Allele origin: germline.

NM_145068.4(TRPV3):c.92C>T (p.Pro31Leu)

Gene: TRPV3 (transient receptor potential cation channel subfamily V member 3; minus strand). Cytogenetic location: 17p13.2.
Variant type: single nucleotide variant.
Coding change: c.92C>T on transcript NM_145068.4 (MANE Select); coding-DNA position 92, C replaced by T.
Protein change: p.Pro31Leu; replaces proline 31 with leucine.
Molecular consequence: missense variant.
Genome position (GRCh38, 1-based): chr17:3,554,759, G>A on the plus strand (C>T on the coding strand, the complement: TRPV3 is on the minus strand). VCF-style: chr17-3554759-G-A. GRCh37 (hg19) VCF-style: chr17-3458053-G-A.
Other names: c.92C>T, p.Pro31Leu (NM_001258205.2); short protein forms P31L.
Identifiers: ClinVar variation 3329339 (VCV003329339.2).